The following is an entry in ClinVar:

NM_001287.6(CLCN7):c.689A>G (p.Lys230Arg)

Gene: CLCN7 (chloride voltage-gated channel 7; minus strand). Cytogenetic location: 16p13.3.
Variant type: single nucleotide variant.
Coding change: c.689A>G on transcript NM_001287.6 (MANE Select); coding-DNA position 689, A replaced by G.
Protein change: p.Lys230Arg; replaces lysine 230 with arginine.
Molecular consequence: missense variant.
Genome position (GRCh38, 1-based): chr16:1,457,743, T>C on the plus strand (A>G on the coding strand, the complement: CLCN7 is on the minus strand). VCF-style: chr16-1457743-T-C. GRCh37 (hg19) VCF-style: chr16-1507744-T-C.
Other names: c.617A>G, p.Lys206Arg (NM_001114331.3); short protein forms K230R, K206R.
Identifiers: ClinVar variation 1478516 (VCV001478516.13), dbSNP rs2142382909, ClinGen allele CA394191256.

ClinVar aggregate classification (germline): Conflicting classifications of pathogenicity. Review status: criteria provided, conflicting classifications (1 of 4 stars). 3 submissions from 3 submitters: Likely pathogenic (1); Uncertain significance (2). Last evaluated 2025-05-12.

Conditions:
Disorder of bone. Also called: Bone disorder; Rare bone disease related to a common gene or pathway defect; Bone disease. Identifiers: Orphanet 364803, MedGen C0005940, MONDO:0005381.

Submissions (3):

Genome Diagnostics Laboratory, The Hospital for Sick Children
Classification: Uncertain significance for Disorder of bone. Last evaluated: 2025-05-12. Review status: criteria provided, single submitter. Criteria: ACMG Guidelines, 2015. Collection method: clinical testing. Allele origin: germline. Affected: yes.
Comment: This missense variant results in a change of lysine to arginine at position 230, and in silico programs predict this variant to be damaging. This variant was observed in an individual with autosomal dominant osteopetrosis (PMID: 31085352). This variant was not observed in populations of the Genome Aggregation Database (gnomAD). Based on the evidence above, this variant is classified as a variant of uncertain significance (ACMG criteria - PM2, PP3)

GeneDx
Classification: Uncertain significance. Last evaluated: 2024-10-11. Review status: criteria provided, single submitter. Criteria: GeneDx Variant Classification Process June 2021. Collection method: clinical testing. Allele origin: germline. Affected: yes.
Comment: Reported in a patient with Albers-Schnberg disease; however, additional clinical, segregation, and testing methodology information was not provided (PMID: 31085352); Not observed at significant frequency in large population cohorts (gnomAD); In silico analysis supports that this missense variant has a deleterious effect on protein structure/function; This variant is associated with the following publications: (PMID: 31085352)

Labcorp Genetics (formerly Invitae), Labcorp
Classification: Likely pathogenic. Last evaluated: 2021-03-10. Review status: criteria provided, single submitter. Criteria: Invitae Variant Classification Sherloc (09022015). Collection method: clinical testing. Allele origin: germline.
Comment: This sequence change replaces lysine with arginine at codon 230 of the CLCN7 protein (p.Lys230Arg). The lysine residue is highly conserved and there is a small physicochemical difference between lysine and arginine. This variant is not present in population databases (ExAC no frequency). This variant has been observed in individual(s) with clinical features of autosomal dominant osteopetrosis (PMID: 31085352, Invitae). Advanced modeling of protein sequence and biophysical properties (such as structural, functional, and spatial information, amino acid conservation, physicochemical variation, residue mobility, and thermodynamic stability) performed at Invitae indicates that this missense variant is expected to disrupt CLCN7 protein function. Algorithms developed to predict the effect of sequence changes on RNA splicing suggest that this variant may create or strengthen a splice site, but this prediction has not been confirmed by published transcriptional studies. In summary, the currently available evidence indicates that the variant is pathogenic, but additional data are needed to prove that conclusively. Therefore, this variant has been classified as Likely Pathogenic.

Literature cited by the submitters: PubMed 31085352 (cited by Genome Diagnostics Laboratory, The Hospital for Sick Children and Labcorp Genetics (formerly Invitae), Labcorp).